The following is an entry in ClinVar:

NM_014028.4(OSTM1):c.55C>G (p.Pro19Ala)

Genes: OSTM1 (osteoclastogenesis associated transmembrane protein 1; minus strand), LOC129996933 (ATAC-STARR-seq lymphoblastoid silent region 17446; plus strand). Cytogenetic location: 6q21.
Variant type: single nucleotide variant.
Coding change: c.55C>G on transcript NM_014028.4 (MANE Select); coding-DNA position 55, C replaced by G.
Protein change: p.Pro19Ala; replaces proline 19 with alanine.
Molecular consequence: missense variant.
Genome position (GRCh38, 1-based): chr6:108,074,597, G>C on the plus strand (C>G on the coding strand, the complement: OSTM1 is on the minus strand). VCF-style: chr6-108074597-G-C. GRCh37 (hg19) VCF-style: chr6-108395801-G-C.
Other names: short protein forms P19A.
Identifiers: ClinVar variation 1970295 (VCV001970295.5), dbSNP rs2482243286, ClinGen allele CA365331449.

ClinVar aggregate classification (germline): Uncertain significance (1 of 4 stars; one submission).

gnomAD v4.1: 1 of 1,564,948 alleles (0.000064%); no homozygotes.

Submission:

Labcorp Genetics (formerly Invitae), Labcorp
Classification: Uncertain significance. Last evaluated: 2022-10-04. Review status: criteria provided, single submitter. Criteria: Invitae Variant Classification Sherloc (09022015). Collection method: clinical testing. Allele origin: germline.
Comment: In summary, the available evidence is currently insufficient to determine the role of this variant in disease. Therefore, it has been classified as a Variant of Uncertain Significance. Algorithms developed to predict the effect of missense changes on protein structure and function are either unavailable or do not agree on the potential impact of this missense change (SIFT: "Deleterious"; PolyPhen-2: "Benign"; Align-GVGD: "Class C0"). This variant has not been reported in the literature in individuals affected with OSTM1-related conditions. This variant is not present in population databases (gnomAD no frequency). This sequence change replaces proline, which is neutral and non-polar, with alanine, which is neutral and non-polar, at codon 19 of the OSTM1 protein (p.Pro19Ala).